The following is an entry in ClinVar:

NM_001371279.1(REEP1):c.486C>T (p.Asp162=)

Gene: REEP1 (receptor accessory protein 1; minus strand). Cytogenetic location: 2p11.2.
Variant type: single nucleotide variant.
Coding change: c.486C>T on transcript NM_001371279.1 (MANE Select); coding-DNA position 486, C replaced by T.
Protein change: p.Asp162=; no amino-acid change (aspartic acid 162 retained).
Molecular consequence: synonymous variant. On other transcripts: missense variant (1), intron variant (1).
Genome position (GRCh38, 1-based): chr2:86,232,734, G>A on the plus strand (C>T on the coding strand, the complement: REEP1 is on the minus strand). VCF-style: chr2-86232734-G-A. GRCh37 (hg19) VCF-style: chr2-86459857-G-A.
Other names: c.507C>T, p.Asp169= (NM_001164730.2); c.405C>T, p.Asp135= (NM_001164731.2); c.251C>T, p.Thr84Met (NM_001164732.2); c.486C>T, p.Asp162= (NM_022912.3); c.418-15624C>T (NM_001371280.1); short protein forms T84M.
Identifiers: ClinVar variation 219415 (VCV000219415.37), dbSNP rs139806812, ClinGen allele CA347987.
Genomic context (GRCh38, chr2:86,232,734, plus strand): 5'-GTGTTTGCCGCTGGCCCGCCCAGACCCCGGTGGTGGGGGGCCCGAGGGAGCAGGGGCGCC[G>A]TCTCCCCTGATGGTGGTGAGGTCCTGCATGCTGAAGCTCCGCAGTCTCTCCGATAAGGCA-3'
Protein context (NP_001358208.1, residues 152-172): SMQDLTTIRG[Asp162=]GAPAPSGPPP

ClinVar aggregate classification (germline): Benign/Likely benign. Review status: criteria provided, multiple submitters, no conflicts (2 of 4 stars). 7 submissions from 7 submitters: Benign (3); Likely benign (4). Last evaluated 2026-09-01.

Conditions:
Hereditary spastic paraplegia. Also called: Familial spastic paraparesis. Identifiers: Orphanet 685, MedGen C0037773, MONDO:0019064. Disease mechanism: loss of function.
Inborn genetic diseases. Identifiers: MedGen C0950123, MeSH D030342.
Hereditary spastic paraplegia 31. Also called: SPASTIC PARAPLEGIA 31, AUTOSOMAL DOMINANT. Identifiers: Orphanet 101011, MedGen C1853247, MONDO:0012453, OMIM 610250.

Allele frequency attached by ClinVar (database versions not stated): gnomAD exomes 0.00037 and 0.00113; ExAC 0.00146; gnomAD 0.00403 and 0.00425; TOPMed 0.00455; ESP Exome Variant Server 0.00477; 1000 Genomes Project 0.00579; 1000 Genomes Project 30x 0.00593.
gnomAD v4.1: 1,176 of 1,608,506 alleles (0.073%); highest among the groups gnomAD compares: African/African-American, 1.3%; 5 homozygotes.

Submissions (7):

CeGaT Center for Human Genetics Tuebingen
Classification: Likely benign. Last evaluated: 2026-09-01. Review status: criteria provided, single submitter. Criteria: CeGaT Center For Human Genetics Tuebingen Variant Classification Criteria Version 2. Collection method: clinical testing. Allele origin: germline. Affected: yes. Observed: 4 variant alleles.
Comment: REEP1: BP4, BS1

Labcorp Genetics (formerly Invitae), Labcorp
Classification: Benign for Hereditary spastic paraplegia 31. Last evaluated: 2025-12-23. Review status: criteria provided, single submitter. Criteria: Invitae Variant Classification Sherloc (09022015). Collection method: clinical testing. Allele origin: germline.

Blueprint Genetics
Classification: Likely benign. Last evaluated: 2024-10-11. Review status: criteria provided, single submitter. Criteria: ACMG Guidelines, 2015. Collection method: clinical testing. Allele origin: germline.

GeneDx
Classification: Benign. Last evaluated: 2019-08-22. Review status: criteria provided, single submitter. Criteria: GeneDx Variant Classification Process June 2021. Collection method: clinical testing. Allele origin: germline. Affected: yes.

Ambry Genetics
Classification: Likely benign for Inborn genetic diseases. Last evaluated: 2019-07-11. Review status: criteria provided, single submitter. Criteria: Ambry Variant Classification Scheme 2023. Collection method: clinical testing. Allele origin: germline.

Genome Diagnostics Laboratory, The Hospital for Sick Children
Classification: Likely benign for Hereditary spastic paraplegia. Last evaluated: 2019-06-01. Review status: criteria provided, single submitter. Criteria: ACMG Guidelines, 2015. Collection method: clinical testing. Allele origin: germline. Affected: yes.

Illumina Laboratory Services, Illumina
Classification: Benign for Hereditary spastic paraplegia 31. Last evaluated: 2018-01-13. Review status: criteria provided, single submitter. Criteria: ICSL Variant Classification Criteria 13 December 2019. Collection method: clinical testing. Allele origin: germline.
Comment: This variant was observed in the ICSL laboratory as part of a predisposition screen in an ostensibly healthy population. It had not been previously curated by ICSL or reported in the Human Gene Mutation Database (HGMD: prior to June 1st, 2018), and was therefore a candidate for classification through an automated scoring system. Utilizing variant allele frequency, disease prevalence and penetrance estimates, and inheritance mode, an automated score was calculated to assess if this variant is too frequent to cause the disease. Based on the score and internal cut-off values, a variant classified as benign is not then subjected to further curation. The score for this variant resulted in a classification of benign for this disease.